The following is an entry in ClinVar:

NM_006739.4(MCM5):c.611G>A (p.Arg204His)

Gene: MCM5 (minichromosome maintenance complex component 5; plus strand). Cytogenetic location: 22q12.3.
Variant type: single nucleotide variant.
Coding change: c.611G>A on transcript NM_006739.4 (MANE Select); coding-DNA position 611, G replaced by A.
Protein change: p.Arg204His; replaces arginine 204 with histidine.
Molecular consequence: missense variant.
Genome position (GRCh38, 1-based): chr22:35,408,422, G>A. VCF-style: chr22-35408422-G-A. GRCh37 (hg19) VCF-style: chr22-35804415-G-A.
Other names: short protein forms R204H.
Identifiers: ClinVar variation 2720102 (VCV002720102.3), dbSNP rs371319659, ClinGen allele CA10205093.

ClinVar aggregate classification (germline): Uncertain significance (1 of 4 stars; one submission).

Allele frequency attached by ClinVar (database versions not stated): TOPMed 0.00003; ExAC 0.00006; ESP Exome Variant Server 0.00008; gnomAD exomes 0.00009.
gnomAD v4.1: 137 of 1,613,838 alleles (0.0085%); highest among the groups gnomAD compares: South Asian, 0.041%; no homozygotes.

Submission:

Labcorp Genetics (formerly Invitae), Labcorp
Classification: Uncertain significance. Last evaluated: 2023-11-27. Review status: criteria provided, single submitter. Criteria: Invitae Variant Classification Sherloc (09022015). Collection method: clinical testing. Allele origin: germline.
Comment: This sequence change replaces arginine, which is basic and polar, with histidine, which is basic and polar, at codon 204 of the MCM5 protein (p.Arg204His). This variant is present in population databases (rs371319659, gnomAD 0.04%). This variant has not been reported in the literature in individuals affected with MCM5-related conditions. An algorithm developed to predict the effect of missense changes on protein structure and function (PolyPhen-2) suggests that this variant is likely to be tolerated. In summary, the available evidence is currently insufficient to determine the role of this variant in disease. Therefore, it has been classified as a Variant of Uncertain Significance.